The following is an entry in ClinVar:

NM_002529.4(NTRK1):c.1661G>C (p.Arg554Pro)

Gene: NTRK1 (neurotrophic receptor tyrosine kinase 1; plus strand). Cytogenetic location: 1q23.1.
Variant type: single nucleotide variant.
Coding change: c.1661G>C on transcript NM_002529.4 (MANE Select); coding-DNA position 1661, G replaced by C.
Protein change: p.Arg554Pro; replaces arginine 554 with proline.
Molecular consequence: missense variant.
Genome position (GRCh38, 1-based): chr1:156,876,428, G>C. VCF-style: chr1-156876428-G-C. GRCh37 (hg19) VCF-style: chr1-156846220-G-C.
Other names: c.1553G>C, p.Arg518Pro (NM_001007792.1); c.1643G>C, p.Arg548Pro (NM_001012331.2); short protein forms R518P, R548P, R554P.
Identifiers: ClinVar variation 1437216 (VCV001437216.3), dbSNP rs764417252, ClinGen allele CA31118730.
Genomic context (GRCh38, chr1:156,876,428, plus strand): 5'-AACTCAGTCCTGTCCCTGCCGCTTCCATCCAGGCACTGAAGGAGGCGTCCGAGAGTGCTC[G>C]GCAGGACTTCCAGCGTGAGGCTGAGCTGCTCACCATGCTGCAGCACCAGCACATCGTGCG-3'
Protein context (NP_002520.2, residues 544-564): KALKEASESA[Arg554Pro]QDFQREAELL

ClinVar aggregate classification (germline): Uncertain significance (1 of 4 stars; one submission).

Conditions:
Hereditary insensitivity to pain with anhidrosis (CIPA). Also called: NTRK1 Congenital Insensitivity to Pain with Anhidrosis; FAMILIAL DYSAUTONOMIA, TYPE II; INSENSITIVITY TO PAIN, CONGENITAL, WITH ANHIDROSIS; NEUROPATHY, CONGENITAL SENSORY, WITH ANHIDROSIS; hereditary sensory and autonomic neuropathy type 4; HSAN Type IV. Identifiers: Orphanet 642, MedGen C0020074, MONDO:0009746, OMIM 256800.

gnomAD v4.1: 11 of 1,613,750 alleles (0.00068%); highest among the groups gnomAD compares: Non-Finnish European, 0.00093%; no homozygotes.

Submission:

Labcorp Genetics (formerly Invitae), Labcorp
Classification: Uncertain significance for Hereditary insensitivity to pain with anhidrosis. Last evaluated: 2021-10-26. Review status: criteria provided, single submitter. Criteria: Invitae Variant Classification Sherloc (09022015). Collection method: clinical testing. Allele origin: germline.
Comment: This sequence change replaces arginine with proline at codon 548 of the NTRK1 protein (p.Arg548Pro). The arginine residue is highly conserved and there is a moderate physicochemical difference between arginine and proline. This variant is not present in population databases (ExAC no frequency). This variant has not been reported in the literature in individuals with NTRK1-related conditions. Advanced modeling of protein sequence and biophysical properties (such as structural, functional, and spatial information, amino acid conservation, physicochemical variation, residue mobility, and thermodynamic stability) performed at Invitae indicates that this missense variant is expected to disrupt NTRK1 protein function. In summary, the available evidence is currently insufficient to determine the role of this variant in disease. Therefore, it has been classified as a Variant of Uncertain Significance.